The following is an entry in ClinVar:

NM_138694.4(PKHD1):c.2932del (p.Gln978fs)

Gene: PKHD1 (PKHD1 ciliary IPT domain containing fibrocystin/polyductin; minus strand). Cytogenetic location: 6p12.2.
Variant type: Deletion.
Coding change: c.2932del on transcript NM_138694.4 (MANE Select); coding-DNA position 2932, one base deleted (C; older notation c.2932delC).
Protein change: p.Gln978fs; shifts the reading frame from glutamine 978.
Molecular consequence: frameshift variant.
Genome position (GRCh38, 1-based): chr6:52,043,024, G deleted on the plus strand (C on the coding strand, the reverse complement: PKHD1 is on the minus strand); the first of 2 consecutive G bases (chr6:52,043,024-52,043,025); deleting either gives the same sequence. VCF-style (leftmost placement, unchanged base first): chr6-52043023-TG-T. GRCh37 (hg19) VCF-style: chr6-51907821-TG-T.
Other names: c.2932delC (NM_138694.3); c.2932del, p.Gln978fs (NM_170724.3); short protein forms Q978fs.
Identifiers: ClinVar variation 1072516 (VCV001072516.8), dbSNP rs2128182780, ClinGen allele CA2499218377.

ClinVar aggregate classification (germline): Pathogenic/Likely pathogenic. Review status: criteria provided, multiple submitters, no conflicts (2 of 4 stars). 2 submissions from 2 submitters: Pathogenic (1); Likely pathogenic (1). Last evaluated 2025-01-28.

Conditions:
Autosomal recessive polycystic kidney disease (ARPKD). Also called: AR polycystic kidney disease. Identifiers: Orphanet 731, Orphanet 8378, MedGen C0085548, MeSH D017044, MONDO:0009889.

Submissions (2):

Natera, Inc.
Classification: Likely pathogenic for Autosomal recessive polycystic kidney disease. Last evaluated: 2025-01-28. Review status: criteria provided, single submitter. Criteria: Natera Variant Classification Schema (03/2026). Collection method: clinical testing. Allele origin: germline.
Comment: The c.2932delC variant in PKHD1 is a frameshift variant predicted to shift the reading frame beginning at codon 978 and leads to a stop codon 4 codons downstream. This variant is expected to result in nonsense mediated decay, truncation, or a dysfunctional protein product. This variant is rare in the general population with a frequency below the threshold expected for the associated phenotype(s). Given the available evidence, this variant is classified as Likely Pathogenic.

Labcorp Genetics (formerly Invitae), Labcorp
Classification: Pathogenic for Autosomal recessive polycystic kidney disease. Last evaluated: 2020-10-26. Review status: criteria provided, single submitter. Criteria: Invitae Variant Classification Sherloc (09022015). Collection method: clinical testing. Allele origin: germline.
Comment: This variant is not present in population databases (ExAC no frequency). For these reasons, this variant has been classified as Pathogenic. This variant has not been reported in the literature in individuals with PKHD1-related conditions. This sequence change creates a premature translational stop signal (p.Gln978Argfs*4) in the PKHD1 gene. It is expected to result in an absent or disrupted protein product. Loss-of-function variants in PKHD1 are known to be pathogenic (PMID: 19940839).

Literature cited by the submitters: PubMed 19940839 (cited by Labcorp Genetics (formerly Invitae), Labcorp).